The following is an entry in ClinVar:

ClinVar aggregate classification (germline): Likely benign. Review status: criteria provided, multiple submitters, no conflicts (2 of 4 stars). 2 submissions from 2 submitters: Likely benign (2). Last evaluated 2026-06-01.

Conditions:
Cardiovascular phenotype. Identifiers: MedGen CN230736.

Submissions (2):

CeGaT Center for Human Genetics Tuebingen
Classification: Likely benign. Last evaluated: 2026-06-01. Review status: criteria provided, single submitter. Criteria: CeGaT Center For Human Genetics Tuebingen Variant Classification Criteria Version 2. Collection method: clinical testing. Allele origin: germline. Affected: yes. Observed: 1 variant allele.
Comment: TTN: PM2:Supporting, BP4, BP7

Ambry Genetics
Classification: Likely benign for Cardiovascular phenotype. Last evaluated: 2024-06-30. Review status: criteria provided, single submitter. Criteria: Ambry Variant Classification Scheme 2023. Collection method: clinical testing. Allele origin: germline.

NM_001267550.2(TTN):c.98880A>G (p.Thr32960=)

Genes: TTN (titin; minus strand), TTN-AS1 (TTN antisense RNA 1; plus strand). Cytogenetic location: 2q31.2.
Variant type: single nucleotide variant.
Coding change: c.98880A>G on transcript NM_001267550.2 (MANE Select); coding-DNA position 98880, A replaced by G.
Protein change: p.Thr32960=; no amino-acid change (threonine 32960 retained).
Molecular consequence: synonymous variant. On other transcripts: non-coding transcript variant (1).
Genome position (GRCh38, 1-based): chr2:178,539,055, T>C on the plus strand (A>G on the coding strand, the complement: TTN is on the minus strand). VCF-style: chr2-178539055-T-C. GRCh37 (hg19) VCF-style: chr2-179403782-T-C.
Other names: c.93957A>G, p.Thr31319= (NM_001256850.1); c.71685A>G, p.Thr23895= (NM_003319.4); c.91176A>G, p.Thr30392= (NM_133378.4); c.72060A>G, p.Thr24020= (NM_133432.3); c.72261A>G, p.Thr24087= (NM_133437.4).
Identifiers: ClinVar variation 3463729 (VCV003463729.3).